The following is an entry in ClinVar:

ClinVar aggregate classification (germline): Uncertain significance (1 of 4 stars; one submission).

Submission:

Ambry Genetics
Classification: Uncertain significance. Last evaluated: 2021-12-10. Review status: criteria provided, single submitter. Criteria: Ambry Variant Classification Scheme 2023. Collection method: clinical testing. Allele origin: germline.
Comment: The p.I1188N variant (also known as c.3563T>A), located in coding exon 30 of the PRKDC gene, results from a T to A substitution at nucleotide position 3563. The isoleucine at codon 1188 is replaced by asparagine, an amino acid with dissimilar properties. This amino acid position is conserved. In addition, the in silico prediction for this alteration is inconclusive. Since supporting evidence is limited at this time, the clinical significance of this alteration remains unclear.

NM_006904.7(PRKDC):c.3563T>A (p.Ile1188Asn)

Gene: PRKDC (protein kinase, DNA-activated, catalytic subunit; minus strand). Cytogenetic location: 8q11.21.
Variant type: single nucleotide variant.
Coding change: c.3563T>A on transcript NM_006904.7 (MANE Select); coding-DNA position 3563, T replaced by A.
Protein change: p.Ile1188Asn; replaces isoleucine 1188 with asparagine.
Molecular consequence: missense variant.
Genome position (GRCh38, 1-based): chr8:47,897,196, A>T on the plus strand (T>A on the coding strand, the complement: PRKDC is on the minus strand). VCF-style: chr8-47897196-A-T. GRCh37 (hg19) VCF-style: chr8-48809756-A-T.
Other names: c.3563T>A, p.Ile1188Asn (NM_001081640.2); short protein forms I1188N.
Identifiers: ClinVar variation 1732728 (VCV001732728.2), dbSNP rs2551874775, ClinGen allele CA371153441.
Genomic context (GRCh38, chr8:47,897,196, plus strand): 5'-ATTAAAGATATACAGATTACCATACCTGGCAATAAAGGAACGAATTTATAAAAGAGTTCA[A>T]TGGATTTGTGTCGACATTCTGTCTGGGGCCTCCCACAATGAGCTAAAAGCCACTTGACCA-3'
Protein context (NP_008835.5, residues 1178-1198): RPQTECRHKS[Ile1188Asn]ELFYKFVPLL